The following is an entry in ClinVar:

ClinVar aggregate classification (germline): Uncertain significance (1 of 4 stars; one submission).

Conditions:
Neurofibromatosis, type 1 (NF1). Also called: NEUROFIBROMATOSIS, TYPE I, SOMATIC; Neurofibromatosis, type I; VON RECKLINGHAUSEN DISEASE; Peripheral type neurofibromatosis. Identifiers: Orphanet 636, MedGen C0027831, MONDO:0018975, OMIM 162200. Disease mechanism: loss of function.

Submission:

Labcorp Genetics (formerly Invitae), Labcorp
Classification: Uncertain significance for Neurofibromatosis, type 1. Last evaluated: 2020-10-12. Review status: criteria provided, single submitter. Criteria: Invitae Variant Classification Sherloc (09022015). Collection method: clinical testing. Allele origin: germline.
Comment: This sequence change replaces leucine with phenylalanine at codon 2250 of the NF1 protein (p.Leu2250Phe). The leucine residue is highly conserved and there is a small physicochemical difference between leucine and phenylalanine. This variant is not present in population databases (ExAC no frequency). In summary, the available evidence is currently insufficient to determine the role of this variant in disease. Therefore, it has been classified as a Variant of Uncertain Significance. Advanced modeling of protein sequence and biophysical properties (such as structural, functional, and spatial information, amino acid conservation, physicochemical variation, residue mobility, and thermodynamic stability) performed at Invitae indicates that this missense variant is expected to disrupt NF1 protein function. This variant has not been reported in the literature in individuals with NF1-related conditions.

NM_001042492.3(NF1):c.6811C>T (p.Leu2271Phe)

Gene: NF1 (neurofibromin 1; plus strand). Cytogenetic location: 17q11.2.
Variant type: single nucleotide variant.
Coding change: c.6811C>T on transcript NM_001042492.3 (MANE Select); coding-DNA position 6811, C replaced by T.
Protein change: p.Leu2271Phe; replaces leucine 2271 with phenylalanine.
Molecular consequence: missense variant.
Genome position (GRCh38, 1-based): chr17:31,338,131, C>T. VCF-style: chr17-31338131-C-T. GRCh37 (hg19) VCF-style: chr17-29665149-C-T.
Other names: c.6748C>T, p.Leu2250Phe (NM_000267.4); short protein forms L2250F, L2271F.
Identifiers: ClinVar variation 1058883 (VCV001058883.5), dbSNP rs2151558388, ClinGen allele CA399014206.